The following is an entry in ClinVar:

NM_001379270.1(CNGA1):c.825_826del (p.Arg276fs)

Genes: CNGA1 (cyclic nucleotide gated channel subunit alpha 1; minus strand), LOC101927157 (uncharacterized LOC101927157; plus strand). Cytogenetic location: 4p12.
Variant type: Microsatellite.
Coding change: c.825_826del on transcript NM_001379270.1 (MANE Select); coding-DNA positions 825 to 826, 2 bases deleted (TC; older notation c.825_826delTC).
Protein change: p.Arg276fs; shifts the reading frame from arginine 276.
Molecular consequence: frameshift variant.
Genome position (GRCh38, 1-based): chr4:47,937,656-47,937,657, GA deleted on the plus strand (TC on the coding strand, the reverse complement: CNGA1 is on the minus strand); deleting any 2 consecutive bases within chr4:47,937,656-47,937,661 gives the same sequence; the c. name uses the placement nearest the transcript's 3' end. VCF-style (leftmost placement, unchanged base first): chr4-47937655-CGA-C. GRCh37 (hg19) VCF-style: chr4-47939672-CGA-C.
Other names: c.825_826del, p.Arg276fs (NM_000087.5, NM_001142564.2); short protein forms R276fs.
Identifiers: ClinVar variation 3544436 (VCV003544436.1).
Genomic context (GRCh38, chr4:47,937,655, plus strand): 5'-ATCCTGAAGATGTTTGGATAGTTTGTCCTTGTTTCTGTTCTCTGGAAGAACTCAAACATA[CGA>C]GAGAACCGTAACAACCTGTTTAATCTAATTTCTGGATAGTTCCACCCTAACTTAAAATAC-3'

ClinVar aggregate classification (germline): Pathogenic (1 of 4 stars; one submission).

Conditions:
Retinitis pigmentosa (RP). Identifiers: Orphanet 791, MedGen C0035334, MeSH D012174, MONDO:0019200, OMIM 268000. Inheritance: Autosomal dominant, autosomal recessive and X linked inheritance.

Submission:

Lab De Baere, Eye and Developmental Genetics Lab, Ghent University
Classification: Pathogenic for Retinitis pigmentosa. Last evaluated: 2024-10-01. Review status: criteria provided, single submitter. Criteria: ACMG Guidelines, 2015. Collection method: research. Allele origin: inherited. Affected: yes. Observed: 1 variant allele.
Comment: ACMG/AMP guidelines: PM2, PVS1, PP1_PS, PM3_2